The following is an entry in ClinVar:

ClinVar aggregate classification (germline): Likely pathogenic (1 of 4 stars; one submission).

Submission:

Dasa
Classification: Likely pathogenic. Last evaluated: 2026-02-08. Review status: criteria provided, single submitter. Criteria: DASA Assertion Criteria. Collection method: clinical testing. Allele origin: germline.
Comment: NM_022482.5(GZF1):c.1628-1G>T affects a canonical splice site and is predicted to disrupt normal RNA splicing. Loss of function is an established disease mechanism for GZF1-associated disorders. Also, this variant is absent from population databases. Based on the currently available evidence, this variant is classified as likely pathogenic.

NM_022482.5(GZF1):c.1628-1G>T

Gene: GZF1 (GDNF inducible zinc finger protein 1; plus strand). Cytogenetic location: 20p11.21.
Variant type: single nucleotide variant.
Coding change: c.1628-1G>T on transcript NM_022482.5 (MANE Select); the canonical splice acceptor site of the intron before coding-DNA position 1628, G replaced by T.
Molecular consequence: splice acceptor variant.
Genome position (GRCh38, 1-based): chr20:23,369,583, G>T. VCF-style: chr20-23369583-G-T. GRCh37 (hg19) VCF-style: chr20-23350220-G-T.
Other names: c.1628-1G>T (NM_001317012.2, NM_001317019.1).
Identifiers: ClinVar variation 4852627 (VCV004852627.2).